The following is an entry in ClinVar:

ClinVar aggregate classification (germline): Pathogenic (1 of 4 stars; one submission).

Submission:

Quest Diagnostics Nichols Institute San Juan Capistrano
Classification: Pathogenic. Last evaluated: 2019-10-07. Review status: criteria provided, single submitter. Criteria: Quest Diagnostics criteria. Collection method: clinical testing. Allele origin: unknown.
Comment: The variant results in the deletion of at least one complete exon, and is therefore predicted to result in the loss of a functional protein. Found in at least one patient with expected phenotype for this gene, and not found in general population data.

NM_058216.2:c.572-?_705+?del

Gene: RAD51C (RAD51 paralog C; plus strand).
Variant type: Deletion.
Identifiers: ClinVar variation 993258 (VCV000993258.1).